The following is an entry in ClinVar:

NM_017763.6(RNF43):c.981A>G (p.Gly327=)

Gene: RNF43 (ring finger protein 43; minus strand). Cytogenetic location: 17q22.
Variant type: single nucleotide variant.
Coding change: c.981A>G on transcript NM_017763.6 (MANE Select); coding-DNA position 981, A replaced by G.
Protein change: p.Gly327=; no amino-acid change (glycine 327 retained).
Molecular consequence: synonymous variant.
Genome position (GRCh38, 1-based): chr17:58,358,795, T>C on the plus strand (A>G on the coding strand, the complement: RNF43 is on the minus strand). VCF-style: chr17-58358795-T-C. GRCh37 (hg19) VCF-style: chr17-56436156-T-C.
Other names: c.981A>G, p.Gly327= (NM_001305544.3); c.600A>G, p.Gly200= (NM_001305545.2).
Identifiers: ClinVar variation 1556839 (VCV001556839.35), dbSNP rs768840363, ClinGen allele CA8673252.

ClinVar aggregate classification (germline): Benign/Likely benign. Review status: criteria provided, multiple submitters, no conflicts (2 of 4 stars). 4 submissions from 4 submitters: Benign (1); Likely benign (3). Last evaluated 2026-07-01.

Conditions:
Sessile serrated polyposis cancer syndrome (SSPCS). Identifiers: Orphanet 157798, MedGen C4310714, MONDO:0014919, OMIM 617108.

Allele frequency attached by ClinVar (database versions not stated): gnomAD exomes 0.00001 and 0.00003; ExAC 0.00006; TOPMed 0.00002; gnomAD 0.00003.
gnomAD v4.1: 40 of 1,528,518 alleles (0.0026%); highest among the groups gnomAD compares: Non-Finnish European, 0.0033%; no homozygotes.

Submissions (4):

Myriad Genetics, Inc.
Classification: Benign for Sessile serrated polyposis cancer syndrome. Last evaluated: 2026-07-01. Review status: criteria provided, single submitter. Criteria: Myriad Autosomal Dominant, Autosomal Recessive and X-Linked Classification Criteria (2023). Collection method: clinical testing. Allele origin: unknown.
Comment: This variant is considered benign. This variant is a silent/synonymous amino acid change and it is not expected to impact splicing.

Labcorp Genetics (formerly Invitae), Labcorp
Classification: Likely benign. Last evaluated: 2025-07-16. Review status: criteria provided, single submitter. Criteria: Invitae Variant Classification Sherloc (09022015). Collection method: clinical testing. Allele origin: germline.

Ambry Genetics
Classification: Likely benign. Last evaluated: 2024-10-15. Review status: criteria provided, single submitter. Criteria: Ambry Variant Classification Scheme 2023. Collection method: clinical testing. Allele origin: germline.

CeGaT Center for Human Genetics Tuebingen
Classification: Likely benign. Last evaluated: 2023-05-01. Review status: criteria provided, single submitter. Criteria: CeGaT Center For Human Genetics Tuebingen Variant Classification Criteria Version 2. Collection method: clinical testing. Allele origin: germline. Affected: yes. Observed: 1 variant allele.
Comment: RNF43: BP4, BP7